The following is an entry in ClinVar:

NM_005055.5(RAPSN):c.395C>T (p.Ala132Val)

Gene: RAPSN (receptor associated protein of the synapse; minus strand). Cytogenetic location: 11p11.2.
Variant type: single nucleotide variant.
Coding change: c.395C>T on transcript NM_005055.5 (MANE Select); coding-DNA position 395, C replaced by T.
Protein change: p.Ala132Val; replaces alanine 132 with valine.
Molecular consequence: missense variant.
Genome position (GRCh38, 1-based): chr11:47,447,948, G>A on the plus strand (C>T on the coding strand, the complement: RAPSN is on the minus strand). VCF-style: chr11-47447948-G-A. GRCh37 (hg19) VCF-style: chr11-47469500-G-A.
Other names: c.395C>T, p.Ala132Val (NM_032645.5); short protein forms A132V.
Identifiers: ClinVar variation 2631040 (VCV002631040.2), dbSNP rs1388889200, ClinGen allele CA380334079.

ClinVar aggregate classification (germline): Uncertain significance (0 of 4 stars; one submission).

Conditions:
RAPSN-related disorder. Also called: RAPSN-related condition; RAPSN-related disorders. Identifiers: MedGen CN239397.

Submission:

PreventionGenetics, part of Exact Sciences
Classification: Uncertain significance for RAPSN-related condition. Last evaluated: 2024-04-05. Review status: no assertion criteria provided. Collection method: clinical testing. Allele origin: germline.
Comment: The RAPSN c.395C>T variant is predicted to result in the amino acid substitution p.Ala132Val. To our knowledge, this variant has not been reported in the literature or in a large population database, indicating this variant is rare. At this time, the clinical significance of this variant is uncertain due to the absence of conclusive functional and genetic evidence.